The following is an entry in ClinVar:

NM_001605.3(AARS1):c.835T>C (p.Tyr279His)

Gene: AARS1 (alanyl-tRNA synthetase 1; minus strand). Cytogenetic location: 16q22.1.
Variant type: single nucleotide variant.
Coding change: c.835T>C on transcript NM_001605.3 (MANE Select); coding-DNA position 835, T replaced by C.
Protein change: p.Tyr279His; replaces tyrosine 279 with histidine.
Molecular consequence: missense variant.
Genome position (GRCh38, 1-based): chr16:70,269,745, A>G on the plus strand (T>C on the coding strand, the complement: AARS1 is on the minus strand). VCF-style: chr16-70269745-A-G. GRCh37 (hg19) VCF-style: chr16-70303648-A-G.
Other names: short protein forms Y279H.
Identifiers: ClinVar variation 808068 (VCV000808068.49), dbSNP rs1232484436, ClinGen allele CA396564902.

ClinVar aggregate classification (germline): Uncertain significance. Review status: criteria provided, multiple submitters, no conflicts (2 of 4 stars). 3 submissions from 3 submitters: Uncertain significance (3). Last evaluated 2026-08-05.

Conditions:
Charcot-Marie-Tooth disease type 2. Also called: Charcot-Marie-Tooth type 2. Identifiers: Orphanet 64746, MedGen C0270914, MONDO:0018993.
Inborn genetic diseases. Identifiers: MedGen C0950123, MeSH D030342.

Allele frequency attached by ClinVar (database versions not stated): gnomAD 0.00001; gnomAD exomes 0.00001; TOPMed 0.00002.
gnomAD v4.1: 4 of 1,613,972 alleles (0.00025%); highest among the groups gnomAD compares: Non-Finnish European, 0.00034%; no homozygotes.

Submissions (3):

Ambry Genetics
Classification: Uncertain significance for Inborn genetic diseases. Last evaluated: 2026-08-05. Review status: criteria provided, single submitter. Criteria: Ambry Variant Classification Scheme 2023. Collection method: clinical testing. Allele origin: germline.

Labcorp Genetics (formerly Invitae), Labcorp
Classification: Uncertain significance for Charcot-Marie-Tooth disease type 2. Last evaluated: 2025-09-07. Review status: criteria provided, single submitter. Criteria: Invitae Variant Classification Sherloc (09022015). Collection method: clinical testing. Allele origin: germline.
Comment: This sequence change replaces tyrosine, which is neutral and polar, with histidine, which is basic and polar, at codon 279 of the AARS protein (p.Tyr279His). This variant is present in population databases (no rsID available, gnomAD 0.007%). This variant has not been reported in the literature in individuals affected with AARS-related conditions. ClinVar contains an entry for this variant (Variation ID: 808068). An algorithm developed to predict the effect of missense changes on protein structure and function (PolyPhen-2) suggests that this variant is likely to be disruptive. In summary, the available evidence is currently insufficient to determine the role of this variant in disease. Therefore, it has been classified as a Variant of Uncertain Significance.

CeGaT Center for Human Genetics Tuebingen
Classification: Uncertain significance. Last evaluated: 2017-01-01. Review status: criteria provided, single submitter. Criteria: CeGaT Center For Human Genetics Tuebingen Variant Classification Criteria Version 2. Collection method: clinical testing. Allele origin: germline. Affected: yes. Observed: 1 variant allele.